The following is an entry in ClinVar:

NM_177438.3(DICER1):c.3093+1G>A

Gene: DICER1 (dicer 1, ribonuclease III; minus strand). Cytogenetic location: 14q32.13.
Variant type: single nucleotide variant.
Coding change: c.3093+1G>A on transcript NM_177438.3 (MANE Select); the canonical splice donor site of the intron after coding-DNA position 3093, G replaced by A.
Molecular consequence: splice donor variant.
Genome position (GRCh38, 1-based): chr14:95,105,677, C>T on the plus strand (G>A on the coding strand, the complement: DICER1 is on the minus strand). VCF-style: chr14-95105677-C-T. GRCh37 (hg19) VCF-style: chr14-95572014-C-T.
Other names: c.3093+1G>A (NM_030621.4, NM_001395677.1, NM_001395678.1 and 12 more transcripts); c.2688+1G>A (NM_001395690.1, NM_001395687.1, NM_001395689.1 and 2 more transcripts); c.2811+1G>A (NM_001395686.1); c.2526+1G>A (NM_001395691.1); c.1410+1G>A (NM_001395697.1).
Identifiers: ClinVar variation 2020385 (VCV002020385.6), dbSNP rs2139994161, ClinGen allele CA390877066.

ClinVar aggregate classification (germline): Likely pathogenic. Review status: criteria provided, multiple submitters, no conflicts (2 of 4 stars). 2 submissions from 2 submitters: Likely pathogenic (2). Last evaluated 2022-07-29.

Conditions:
Rhabdomyosarcoma, embryonal, 2 (RMSE2). Identifiers: MedGen C1867234, MONDO:0859046, OMIM 180295.
Pleuropulmonary blastoma (PPB). Identifiers: Orphanet 64742, MedGen C1266144, MONDO:0011014, OMIM 601200, HP:0100528.
Global developmental delay - lung cysts - overgrowth - Wilms tumor syndrome. Also called: GLOBAL DEVELOPMENTAL DELAY, LUNG CYSTS, OVERGROWTH, AND WILMS TUMOR; GLOW Syndrome. Identifiers: Orphanet 404476, MedGen C4748924, MONDO:0018445, OMIM 618272.
Euthyroid goiter (MNG1). Also called: Goiter, multinodular 1, with or without Sertoli-Leydig cell tumors; GOITER, NONTOXIC, WITH INTRATHYROIDAL CALCIFICATION; MULTINODULAR GOITER, ADOLESCENT; SIMPLE GOITER. Identifiers: Orphanet 276399, MedGen C0302859, MONDO:0007681, OMIM 138800, HP:0009798.
DICER1-related tumor predisposition. Also called: DICER1 syndrome; DICER1-related pleuropulmonary blastoma cancer predisposition syndrome. Identifiers: Orphanet 284343, MedGen C3839822, MONDO:0100216.

Submissions (2):

Labcorp Genetics (formerly Invitae), Labcorp
Classification: Likely pathogenic for DICER1-related tumor predisposition. Last evaluated: 2022-07-29. Review status: criteria provided, single submitter. Criteria: Invitae Variant Classification Sherloc (09022015). Collection method: clinical testing. Allele origin: germline.
Comment: This sequence change affects a donor splice site in intron 19 of the DICER1 gene. It is expected to disrupt RNA splicing. Variants that disrupt the donor or acceptor splice site typically lead to a loss of protein function (PMID: 16199547), and loss-of-function variants in DICER1 are known to be pathogenic (PMID: 19556464, 21266384). This variant is not present in population databases (gnomAD no frequency). This variant has not been reported in the literature in individuals affected with DICER1-related conditions. Algorithms developed to predict the effect of sequence changes on RNA splicing suggest that this variant may disrupt the consensus splice site. In summary, the currently available evidence indicates that the variant is pathogenic, but additional data are needed to prove that conclusively. Therefore, this variant has been classified as Likely Pathogenic.

Center for Genomics, Ann and Robert H. Lurie Children's Hospital of Chicago
Classification: Likely pathogenic for Pleuropulmonary blastoma; Euthyroid goiter; Global developmental delay - lung cysts - overgrowth - Wilms tumor syndrome; Rhabdomyosarcoma, embryonal, 2. Review status: criteria provided, single submitter. Criteria: ACMG Guidelines, 2015. Collection method: clinical testing. Allele origin: germline.
Comment: DICER1 NM_177438.2 exon 19 c.3093+1G>A: This variant has not been reported in the literature and is not present in large control databases. Evolutionary conservation and computational predictive tools for this variant are limited or unavailable. Of note, this variant alters the consensus splice sequence (+/- 1,2) which is predicted to result in an absent or abnormal protein. Loss of function variants are a known mechanism of disease for this gene (Slade 2011 PMID:21266384). In summary, data on this variant is highly suspicious for disease, but requires further evidence for pathogenicity. Therefore, this variant is classified as likely pathogenic

Literature cited by the submitters: PubMed 16199547 (cited by Labcorp Genetics (formerly Invitae), Labcorp); PubMed 19556464 (cited by Labcorp Genetics (formerly Invitae), Labcorp); PubMed 21266384 (cited by Labcorp Genetics (formerly Invitae), Labcorp).